The following is an entry in ClinVar:

NM_000430.4(PAFAH1B1):c.647_648del (p.Ile216fs)

Gene: PAFAH1B1 (platelet activating factor acetylhydrolase 1b regulatory subunit 1; plus strand). Cytogenetic location: 17p13.3.
Variant type: Microsatellite.
Coding change: c.647_648del on transcript NM_000430.4 (MANE Select); coding-DNA positions 647 to 648, 2 bases deleted (TA; older notation c.647_648delTA).
Protein change: p.Ile216fs; shifts the reading frame from isoleucine 216.
Molecular consequence: frameshift variant.
Genome position (GRCh38, 1-based): chr17:2,672,733-2,672,734, TA deleted; deleting any 2 consecutive bases within chr17:2,672,731-2,672,734 gives the same sequence; the c. name uses the placement nearest the transcript's 3' end. VCF-style (leftmost placement, unchanged base first): chr17-2672730-CTA-C. GRCh37 (hg19) VCF-style: chr17-2576024-CTA-C.
Other names: short protein forms I216fs.
Identifiers: ClinVar variation 159532 (VCV000159532.10), dbSNP rs587784275, ClinGen allele CA272424.
Genomic context (GRCh38, chr17:2,672,730, plus strand): 5'-TTTCTTCAGTAGCCATCATGCCCAATGGAGATCATATAGTGTCTGCCTCAAGGGATAAAA[CTA>C]TAAAAATGTGGGAAGTGCAAACTGGGTAAGTAAGTTTAGTTGAAAAGGCATCAGCGGCCA-3'

ClinVar aggregate classification (germline): Pathogenic. Review status: criteria provided, multiple submitters, no conflicts (2 of 4 stars). 2 submissions from 2 submitters: Pathogenic (2). Last evaluated 2025-03-17.

Conditions:
Lissencephaly due to LIS1 mutation (LIS1). Also called: PAFAH1B1-Associated Lissencephaly/Subcortical Band Heterotopia; PAFAH1B1-Related Lissencephaly/Subcortical Band Heterotopia; Isolated Lissencephaly Sequence. Identifiers: Orphanet 95232, MedGen C4749301, MONDO:0011830, OMIM 607432.

Submissions (2):

Labcorp Genetics (formerly Invitae), Labcorp
Classification: Pathogenic. Last evaluated: 2025-03-17. Review status: criteria provided, single submitter. Criteria: Invitae Variant Classification Sherloc (09022015). Collection method: clinical testing. Allele origin: germline.
Comment: This sequence change creates a premature translational stop signal (p.Ile216Lysfs*39) in the PAFAH1B1 gene. It is expected to result in an absent or disrupted protein product. Loss-of-function variants in PAFAH1B1 are known to be pathogenic (PMID: 1671808, 11115846, 14581661). This variant is not present in population databases (gnomAD no frequency). This variant has not been reported in the literature in individuals affected with PAFAH1B1-related conditions. ClinVar contains an entry for this variant (Variation ID: 159532). For these reasons, this variant has been classified as Pathogenic.

Genetic Services Laboratory, University of Chicago
Classification: Pathogenic for Lissencephaly 1. Last evaluated: 2013-02-08. Review status: criteria provided, single submitter. Criteria: ACMG Guidelines, 2007. Collection method: clinical testing. Allele origin: germline. Inheritance: Autosomal dominant inheritance. Affected: yes.

Literature cited by the submitters: PubMed 1671808 (cited by Labcorp Genetics (formerly Invitae), Labcorp); PubMed 11115846 (cited by Labcorp Genetics (formerly Invitae), Labcorp); PubMed 14581661 (cited by Labcorp Genetics (formerly Invitae), Labcorp).